The following is an entry in ClinVar:

ClinVar aggregate classification (germline): Uncertain significance (1 of 4 stars; one submission).

Allele frequency attached by ClinVar (database versions not stated): gnomAD 0.00003; gnomAD exomes 0.00002; ExAC 0.00001; TOPMed 0.00002.
gnomAD v4.1: 23 of 1,364,816 alleles (0.0017%); highest among the groups gnomAD compares: Admixed American, 0.017%; no homozygotes.

Submission:

Labcorp Genetics (formerly Invitae), Labcorp
Classification: Uncertain significance. Last evaluated: 2025-12-19. Review status: criteria provided, single submitter. Criteria: Invitae Variant Classification Sherloc (09022015). Collection method: clinical testing. Allele origin: germline.
Comment: This sequence change replaces threonine, which is neutral and polar, with alanine, which is neutral and non-polar, at codon 1555 of the ERCC6L2 protein (p.Thr1555Ala). This variant is present in population databases (rs770894175, gnomAD 0.02%). This variant has not been reported in the literature in individuals affected with ERCC6L2-related conditions. ClinVar contains an entry for this variant (Variation ID: 1955276). Experimental studies and prediction algorithms are not available or were not evaluated, and the functional significance of this variant is currently unknown. In summary, the available evidence is currently insufficient to determine the role of this variant in disease. Therefore, it has been classified as a Variant of Uncertain Significance.

NM_020207.7(ERCC6L2):c.4630A>G (p.Thr1544Ala)

Gene: ERCC6L2 (ERCC excision repair 6 like 2; plus strand). Cytogenetic location: 9q22.32.
Variant type: single nucleotide variant.
Coding change: c.4630A>G on transcript NM_020207.7 (MANE Select); coding-DNA position 4630, A replaced by G.
Protein change: p.Thr1544Ala; replaces threonine 1544 with alanine.
Molecular consequence: missense variant. On other transcripts: non-coding transcript variant (1), intron variant (2).
Genome position (GRCh38, 1-based): chr9:96,013,180, A>G. VCF-style: chr9-96013180-A-G. GRCh37 (hg19) VCF-style: chr9-98775462-A-G.
Other names: c.3674+8479A>G (NM_001375291.1, NM_001375292.1); short protein forms T1544A.
Identifiers: ClinVar variation 1955276 (VCV001955276.4), dbSNP rs770894175, ClinGen allele CA5140140.